The following is an entry in ClinVar:

ClinVar aggregate classification (germline): Uncertain significance (1 of 4 stars; one submission).

Submission:

Ambry Genetics
Classification: Uncertain significance. Last evaluated: 2025-06-28. Review status: criteria provided, single submitter. Criteria: Ambry Variant Classification Scheme 2023. Collection method: clinical testing. Allele origin: germline.
Comment: The p.L52R variant (also known as c.155T>G), located in coding exon 2 of the RAD51B gene, results from a T to G substitution at nucleotide position 155. The leucine at codon 52 is replaced by arginine, an amino acid with dissimilar properties. This amino acid position is conserved. In addition, this alteration is predicted to be deleterious by in silico analysis. Based on the available evidence, the clinical significance of this variant remains unclear.

NM_133510.4(RAD51B):c.155T>G (p.Leu52Arg)

Gene: RAD51B (RAD51 paralog B; plus strand). Cytogenetic location: 14q24.1.
Variant type: single nucleotide variant.
Coding change: c.155T>G on transcript NM_133510.4 (MANE Select); coding-DNA position 155, T replaced by G.
Protein change: p.Leu52Arg; replaces leucine 52 with arginine.
Molecular consequence: missense variant. On other transcripts: 5 prime UTR variant (1).
Genome position (GRCh38, 1-based): chr14:67,825,534, T>G. VCF-style: chr14-67825534-T-G. GRCh37 (hg19) VCF-style: chr14-68292251-T-G.
Other names: c.155T>G, p.Leu52Arg (NM_001321809.2, NM_001321810.2, NM_001321812.1 and 6 more transcripts); c.41T>G, p.Leu14Arg (NM_001321815.1); c.-301T>G (NM_001321817.2); short protein forms L52R, L14R.
Identifiers: ClinVar variation 4149815 (VCV004149815.1).